The following is an entry in ClinVar:

ClinVar aggregate classification (germline): Uncertain significance (1 of 4 stars; one submission).

Conditions:
Gastrointestinal stromal tumor. Also called: Gastrointestinal stromal tumor, somatic; Gastrointestinal stroma tumor. Identifiers: Orphanet 44890, MedGen C0238198, MeSH D046152, MONDO:0011719, OMIM 606764, HP:0100723.

Submission:

Labcorp Genetics (formerly Invitae), Labcorp
Classification: Uncertain significance for Gastrointestinal stromal tumor. Last evaluated: 2024-08-01. Review status: criteria provided, single submitter. Criteria: Invitae Variant Classification Sherloc (09022015). Collection method: clinical testing. Allele origin: germline.
Comment: This sequence change replaces isoleucine, which is neutral and non-polar, with valine, which is neutral and non-polar, at codon 531 of the KIT protein (p.Ile531Val). This variant is not present in population databases (gnomAD no frequency). This variant has not been reported in the literature in individuals affected with KIT-related conditions. An algorithm developed to predict the effect of missense changes on protein structure and function outputs the following: PolyPhen-2: "Benign". The valine amino acid residue is found in multiple mammalian species, which suggests that this missense change does not adversely affect protein function. In summary, the available evidence is currently insufficient to determine the role of this variant in disease. Therefore, it has been classified as a Variant of Uncertain Significance.

NM_000222.3(KIT):c.1591A>G (p.Ile531Val)

Gene: KIT (KIT proto-oncogene, receptor tyrosine kinase; plus strand). Cytogenetic location: 4q12.
Variant type: single nucleotide variant.
Coding change: c.1591A>G on transcript NM_000222.3 (MANE Select); coding-DNA position 1591, A replaced by G.
Protein change: p.Ile531Val; replaces isoleucine 531 with valine.
Molecular consequence: missense variant.
Genome position (GRCh38, 1-based): chr4:54,727,268, A>G. VCF-style: chr4-54727268-A-G. GRCh37 (hg19) VCF-style: chr4-55593434-A-G.
Other names: c.1579A>G, p.Ile527Val (NM_001093772.2, NM_001385286.1); c.1594A>G, p.Ile532Val (NM_001385284.1, NM_001385290.1); c.1591A>G, p.Ile531Val (NM_001385285.1); c.1582A>G, p.Ile528Val (NM_001385288.1, NM_001385292.1); short protein forms I528V, I531V, I527V, I532V.
Identifiers: ClinVar variation 3661188 (VCV003661188.2).